The following is an entry in ClinVar:

NM_001365276.2(TNXB):c.3810C>T (p.Thr1270=)

Gene: TNXB (tenascin XB; minus strand). Cytogenetic location: 6p21.33.
Variant type: single nucleotide variant.
Coding change: c.3810C>T on transcript NM_001365276.2 (MANE Select); coding-DNA position 3810, C replaced by T.
Protein change: p.Thr1270=; no amino-acid change (threonine 1270 retained).
Molecular consequence: synonymous variant.
Genome position (GRCh38, 1-based): chr6:32,081,600, G>A on the plus strand (C>T on the coding strand, the complement: TNXB is on the minus strand). VCF-style: chr6-32081600-G-A. GRCh37 (hg19) VCF-style: chr6-32049377-G-A.
Other names: p.Thr1270=; c.3810C>T, p.Thr1270= (NM_019105.8).
Identifiers: ClinVar variation 1735154 (VCV001735154.3), dbSNP rs558203628, ClinGen allele CA3735098.
Genomic context (GRCh38, chr6:32,081,600, plus strand): 5'-TGAGTCGAAGGGGCCCTGGGCCACTGTCCATGAGAGACGCAAGGAGTCTGGGGTCACGCC[G>A]GTCACTGTCAGTTCCCCCAGGAGGGGCTGCTCCAGGAACTCAGGGCGGGGGGGCTCCTCT-3'
Protein context (NP_001352205.1, residues 1260-1280): EQPLLGELTV[Thr1270=]GVTPDSLRLS

ClinVar aggregate classification (germline): Likely benign. Review status: criteria provided, multiple submitters, no conflicts (2 of 4 stars). 2 submissions from 2 submitters: Likely benign (2). Last evaluated 2025-05-20.

Conditions:
Cardiovascular phenotype. Identifiers: MedGen CN230736.

Allele frequency attached by ClinVar (database versions not stated): TOPMed 0.00001; gnomAD exomes 0.00002; gnomAD 0.00001; ExAC 0.00002; 1000 Genomes Project 30x 0.00031; 1000 Genomes Project 0.00040.
gnomAD v4.1: 30 of 1,601,462 alleles (0.0019%); highest among the groups gnomAD compares: African/African-American, 0.0027%; no homozygotes.

Submissions (2):

Mayo Clinic Laboratories, Mayo Clinic
Classification: Likely benign. Last evaluated: 2025-05-20. Review status: criteria provided, single submitter. Criteria: ACMG Guidelines, 2015. Collection method: clinical testing. Allele origin: germline. Observed: 1 variant allele.
Comment: BP4, BP7, PM2_supporting

Ambry Genetics
Classification: Likely benign for Cardiovascular phenotype. Last evaluated: 2019-05-17. Review status: criteria provided, single submitter. Criteria: Ambry Variant Classification Scheme 2023. Collection method: clinical testing. Allele origin: germline.